The following is an entry in ClinVar:

NM_001048174.2(MUTYH):c.958C>A (p.Pro320Thr)

Gene: MUTYH (mutY DNA glycosylase; minus strand). Cytogenetic location: 1p34.1.
Variant type: single nucleotide variant.
Coding change: c.958C>A on transcript NM_001048174.2 (MANE Select); coding-DNA position 958, C replaced by A.
Protein change: p.Pro320Thr; replaces proline 320 with threonine.
Molecular consequence: missense variant. On other transcripts: non-coding transcript variant (7).
Genome position (GRCh38, 1-based): chr1:45,331,805, G>T on the plus strand (C>A on the coding strand, the complement: MUTYH is on the minus strand). VCF-style: chr1-45331805-G-T. GRCh37 (hg19) VCF-style: chr1-45797477-G-T.
Other names: c.958C>A, p.Pro320Thr (NM_001048171.2, NM_001048173.2, NM_001293195.2 and 6 more transcripts); c.961C>A, p.Pro321Thr (NM_001048172.2, NM_001407071.1, NM_001407078.1 and 1 more transcripts); c.1042C>A, p.Pro348Thr (NM_001128425.2); c.1003C>A, p.Pro335Thr (NM_001293190.2); c.991C>A, p.Pro331Thr (NM_001293191.2, NM_001407069.1, NM_001407077.1); c.682C>A, p.Pro228Thr (NM_001293192.2, NM_001293196.2, NM_001407091.1); c.613C>A, p.Pro205Thr (NM_001350650.2, NM_001350651.2, NM_001407082.1); c.874C>A, p.Pro292Thr (NM_001407075.1); and 5 more; short protein forms P228T, P292T, P327T, P335T, P205T, P306T, P307T, P321T.
Identifiers: ClinVar variation 4112952 (VCV004112952.1).

ClinVar aggregate classification (germline): Uncertain significance (1 of 4 stars; one submission).

Conditions:
Hereditary cancer-predisposing syndrome. Also called: Tumor predisposition; Neoplastic Syndromes, Hereditary; Hereditary neoplastic syndrome; Hereditary Cancer Syndrome. Identifiers: Orphanet 140162, MedGen C0027672, MeSH D009386, MONDO:0015356.

Submission:

Ambry Genetics
Classification: Uncertain significance for Hereditary cancer-predisposing syndrome. Last evaluated: 2025-08-27. Review status: criteria provided, single submitter. Criteria: Ambry Variant Classification Scheme 2023. Collection method: clinical testing. Allele origin: germline.
Comment: The p.P348T variant (also known as c.1042C>A), located in coding exon 12 of the MUTYH gene, results from a C to A substitution at nucleotide position 1042. The proline at codon 348 is replaced by threonine, an amino acid with highly similar properties. This amino acid position is conserved. In addition, the in silico prediction for this alteration is inconclusive. Based on the available evidence, the clinical significance of this variant remains unclear.